The following is an entry in ClinVar:

ClinVar aggregate classification (germline): Uncertain significance (1 of 4 stars; one submission).

Conditions:
Malignant hyperthermia, susceptibility to, 5 (MHS5). Also called: CACNA1S-Related Malignant Hyperthermia Susceptibility. Identifiers: Orphanet 423, MedGen C1866077, MONDO:0011163, OMIM 601887.

Submission:

Color Diagnostics, LLC DBA Color Health
Classification: Uncertain significance for Malignant hyperthermia, susceptibility to, 5. Last evaluated: 2025-07-17. Review status: criteria provided, single submitter. Criteria: ACMG Guidelines, 2015. Collection method: clinical testing. Allele origin: germline.
Comment: This missense variant replaces phenylalanine with serine at codon 197 of the CACNA1S protein. Computational prediction suggests that this variant may have deleterious impact on protein structure and function. To our knowledge, functional studies have not been reported for this variant. This variant has not been reported in individuals affected with CACNA1S-related disorders in the literature. This variant has not been identified in the general population by the Genome Aggregation Database (gnomAD). The available evidence is insufficient to determine the role of this variant in disease conclusively. Therefore, this variant is classified as a Variant of Uncertain Significance.

NM_000069.3(CACNA1S):c.590T>C (p.Phe197Ser)

Gene: CACNA1S (calcium voltage-gated channel subunit alpha1 S; minus strand). Cytogenetic location: 1q32.1.
Variant type: single nucleotide variant.
Coding change: c.590T>C on transcript NM_000069.3 (MANE Select); coding-DNA position 590, T replaced by C.
Protein change: p.Phe197Ser; replaces phenylalanine 197 with serine.
Molecular consequence: missense variant.
Genome position (GRCh38, 1-based): chr1:201,091,744, A>G on the plus strand (T>C on the coding strand, the complement: CACNA1S is on the minus strand). VCF-style: chr1-201091744-A-G. GRCh37 (hg19) VCF-style: chr1-201060872-A-G.
Other names: short protein forms F197S.
Identifiers: ClinVar variation 4757729 (VCV004757729.1).
Genomic context (GRCh38, chr1:201,091,744, plus strand): 5'-AGCTCCAGCCCGATGATGGCATAGATGATGACCATAAAGAGGACCAGCAGGGCGATGTGA[A>G]AGAGGGGGAGCATGGCCTTGAAGATGGAGTTCAGGACCACCTGCAGGCCTGCAGAGGCAG-3'
Protein context (NP_000060.2, residues 187-207): NSIFKAMLPL[Phe197Ser]HIALLVLFMV